The following is an entry in ClinVar:

NM_006231.4(POLE):c.4289A>G (p.Gln1430Arg)

Gene: POLE (DNA polymerase epsilon, catalytic subunit; minus strand). Cytogenetic location: 12q24.33.
Variant type: single nucleotide variant.
Coding change: c.4289A>G on transcript NM_006231.4 (MANE Select); coding-DNA position 4289, A replaced by G.
Protein change: p.Gln1430Arg; replaces glutamine 1430 with arginine.
Molecular consequence: missense variant.
Genome position (GRCh38, 1-based): chr12:132,643,838, T>C on the plus strand (A>G on the coding strand, the complement: POLE is on the minus strand). VCF-style: chr12-132643838-T-C. GRCh37 (hg19) VCF-style: chr12-133220424-T-C.
Other names: c.4289A>G (NM_006231.2); short protein forms Q1430R.
Identifiers: ClinVar variation 405755 (VCV000405755.9), dbSNP rs1060500836, ClinGen allele CA16613640.
Genomic context (GRCh38, chr12:132,643,838, plus strand): 5'-CCTCCATACCACCCTGCTGGAGCCTCCCCCAGTTCAGTCGAGGGTGGCTGGGGAGTCACC[T>C]GAGTCTCATATACGCCCTCGATGTCTGGCGCTGACAGCTCAGCGTTGATCTCGTTGATGT-3'
Protein context (NP_006222.2, residues 1420-1440): APDIEGVYET[Gln1430Arg]VPLLFRALVH

ClinVar aggregate classification (germline): Uncertain significance. Review status: criteria provided, multiple submitters, no conflicts (2 of 4 stars). 2 submissions from 2 submitters: Uncertain significance (2). Last evaluated 2026-05-26.

Conditions:
Hereditary cancer-predisposing syndrome. Also called: Hereditary Cancer Syndrome; Tumor predisposition; Hereditary neoplastic syndrome; Neoplastic Syndromes, Hereditary. Identifiers: Orphanet 140162, MedGen C0027672, MeSH D009386, MONDO:0015356.

Allele frequency attached by ClinVar (database versions not stated): gnomAD 0.00001.
gnomAD v4.1: 1 of 1,613,352 alleles (0.000062%); highest among the groups gnomAD compares: Non-Finnish European, 0.000085%; no homozygotes.

Submissions (2):

Ambry Genetics
Classification: Uncertain significance for Hereditary cancer-predisposing syndrome. Last evaluated: 2026-05-26. Review status: criteria provided, single submitter. Criteria: Ambry Variant Classification Scheme 2023. Collection method: clinical testing. Allele origin: germline.
Comment: The p.Q1430R variant (also known as c.4289A>G), located in coding exon 33 of the POLE gene, results from an A to G substitution at nucleotide position 4289. The glutamine at codon 1430 is replaced by arginine, an amino acid with highly similar properties. This amino acid position is highly conserved in available vertebrate species. In addition, the in silico prediction for this alteration is inconclusive. Based on the available evidence, the clinical significance of this variant remains unclear.

Labcorp Genetics (formerly Invitae), Labcorp
Classification: Uncertain significance. Last evaluated: 2024-09-02. Review status: criteria provided, single submitter. Criteria: Invitae Variant Classification Sherloc (09022015). Collection method: clinical testing. Allele origin: germline.
Comment: This sequence change replaces glutamine, which is neutral and polar, with arginine, which is basic and polar, at codon 1430 of the POLE protein (p.Gln1430Arg). This variant is present in population databases (no rsID available, gnomAD 0.007%). This variant has not been reported in the literature in individuals affected with POLE-related conditions. ClinVar contains an entry for this variant (Variation ID: 405755). An algorithm developed to predict the effect of missense changes on protein structure and function (PolyPhen-2) suggests that this variant is likely to be tolerated. Algorithms developed to predict the effect of sequence changes on RNA splicing suggest that this variant may disrupt the consensus splice site. In summary, the available evidence is currently insufficient to determine the role of this variant in disease. Therefore, it has been classified as a Variant of Uncertain Significance.